The following is an entry in ClinVar:

ClinVar aggregate classification (germline): Uncertain significance (1 of 4 stars; one submission).

Conditions:
Hypertrophic cardiomyopathy. Also called: HYPERTROPHIC MYOCARDIOPATHY. Identifiers: Orphanet 217569, MedGen C0007194, MeSH D002312, MONDO:0005045, HP:0001639.

Submission:

All of Us Research Program, National Institutes of Health
Classification: Uncertain significance for Hypertrophic cardiomyopathy. Last evaluated: 2023-12-13. Review status: criteria provided, single submitter. Criteria: ACMG Guidelines, 2015. Collection method: clinical testing. Allele origin: germline. Inheritance: Autosomal dominant inheritance. Observed: 1 variant allele, 1 heterozygote.
Comment: This missense variant replaces asparagine with aspartic acid at codon 279 of the TPM1 protein. Computational prediction is inconclusive regarding the impact of this variant on protein structure and function (internally defined REVEL score threshold 0.5 < inconclusive < 0.7, PMID: 27666373). To our knowledge, functional studies have not been reported for this variant. This variant has not been reported in individuals affected with TPM1-related disorders in the literature. This variant has not been identified in the general population by the Genome Aggregation Database (gnomAD). The available evidence is insufficient to determine the role of this variant in disease conclusively. Therefore, this variant is classified as a Variant of Uncertain Significance.

This study involves interpretation of variants in research participants for the purpose of population health screening. Participant phenotype was not available at the time of variant classification. Additional details can be found in publication PMID: 35346344, PMCID: PMC8962531

NM_001018005.2(TPM1):c.835A>G (p.Asn279Asp)

Gene: TPM1 (tropomyosin 1; plus strand). Cytogenetic location: 15q22.2.
Variant type: single nucleotide variant.
Coding change: c.835A>G on transcript NM_001018005.2 (MANE Select); coding-DNA position 835, A replaced by G.
Protein change: p.Asn279Asp; replaces asparagine 279 with aspartic acid.
Molecular consequence: missense variant. On other transcripts: intron variant (18), 3 prime UTR variant (3), non-coding transcript variant (7).
Genome position (GRCh38, 1-based): chr15:63,064,126, A>G. VCF-style: chr15-63064126-A-G. GRCh37 (hg19) VCF-style: chr15-63356325-A-G.
Other names: c.772+1481A>G (NM_001407338.1, NM_001018007.2, NM_001407337.1 and 8 more transcripts); c.664+1481A>G (NM_001330351.2, NM_001330344.2, NM_001018008.2 and 3 more transcripts); c.835A>G, p.Asn279Asp (NM_000366.6, NM_001301244.2, NM_001365779.1 and 8 more transcripts); c.727A>G, p.Asn243Asp (NM_001330346.2, NM_001365781.2, NM_001365782.1 and 1 more transcripts); c.961A>G, p.Asn321Asp (NM_001407322.1, NM_001407323.1, NM_001407324.1); c.*1317A>G (NM_001407325.1, NM_001407340.1, NM_001407341.1); c.898+1481A>G (NM_001365778.1); short protein forms N243D, N279D, N321D.
Identifiers: ClinVar variation 3074858 (VCV003074858.1), dbSNP rs397516392, ClinGen allele CA392725197.